The following is an entry in ClinVar:

NM_182961.4(SYNE1):c.13009C>G (p.Gln4337Glu)

Gene: SYNE1 (spectrin repeat containing nuclear envelope protein 1; minus strand). Cytogenetic location: 6q25.2.
Variant type: single nucleotide variant.
Coding change: c.13009C>G on transcript NM_182961.4 (MANE Select); coding-DNA position 13009, C replaced by G.
Protein change: p.Gln4337Glu; replaces glutamine 4337 with glutamic acid.
Molecular consequence: missense variant.
Genome position (GRCh38, 1-based): chr6:152,331,676, G>C on the plus strand (C>G on the coding strand, the complement: SYNE1 is on the minus strand). VCF-style: chr6-152331676-G-C. GRCh37 (hg19) VCF-style: chr6-152652811-G-C.
Other names: c.12796C>G, p.Gln4266Glu (NM_033071.5); short protein forms Q4266E, Q4337E.
Identifiers: ClinVar variation 3897034 (VCV003897034.1).
Genomic context (GRCh38, chr6:152,331,676, plus strand): 5'-TTAGCTCCTGAAATCTGGACTGCACCACATTTAACTCCTCCAAGTTGGTGACTGACACTT[G>C]GATTTTCCTTTTAATGAGGTCCTCAAGCTGAAACCAACGTTGCTCTAAATGACTCGTCTG-3'
Protein context (NP_892006.3, residues 4327-4347): QLEDLIKRKI[Gln4337Glu]VSVTNLEELN

ClinVar aggregate classification (germline): Uncertain significance (1 of 4 stars; one submission).

Submission:

Kariminejad - Najmabadi Pathology & Genetics Center
Classification: Uncertain significance. Last evaluated: 2021-05-23. Review status: criteria provided, single submitter. Criteria: ACMG Guidelines, 2015. Collection method: clinical testing. Allele origin: germline. Inheritance: Autosomal recessive inheritance. Affected: yes.
Comment: PM2, PP3